The following is an entry in ClinVar:

NM_001609.4(ACADSB):c.1158C>T (p.Ile386=)

Gene: ACADSB (acyl-CoA dehydrogenase short/branched chain; plus strand). Cytogenetic location: 10q26.13.
Variant type: single nucleotide variant.
Coding change: c.1158C>T on transcript NM_001609.4 (MANE Select); coding-DNA position 1158, C replaced by T.
Protein change: p.Ile386=; no amino-acid change (isoleucine 386 retained).
Molecular consequence: synonymous variant.
Genome position (GRCh38, 1-based): chr10:123,053,090, C>T. VCF-style: chr10-123053090-C-T. GRCh37 (hg19) VCF-style: chr10-124812606-C-T.
Other names: c.852C>T, p.Ile284= (NM_001330174.3).
Identifiers: ClinVar variation 3040093 (VCV003040093.2), dbSNP rs776200797, ClinGen allele CA5730947.

ClinVar aggregate classification (germline): Likely benign (0 of 4 stars; one submission).

Conditions:
ACADSB-related disorder. Also called: ACADSB-related condition.

Allele frequency attached by ClinVar (database versions not stated): gnomAD 0.00001; ExAC 0.00002; TOPMed 0.00002.
gnomAD v4.1: 13 of 1,613,764 alleles (0.00081%); highest among the groups gnomAD compares: Admixed American, 0.0083%; no homozygotes.

Submission:

PreventionGenetics, part of Exact Sciences
Classification: Likely benign for ACADSB-related condition. Last evaluated: 2019-09-27. Review status: no assertion criteria provided. Collection method: clinical testing. Allele origin: germline.
Comment: This variant is classified as likely benign based on ACMG/AMP sequence variant interpretation guidelines (Richards et al. 2015 PMID: 25741868, with internal and published modifications).